The following is an entry in ClinVar:

ClinVar aggregate classification (germline): Uncertain significance (1 of 4 stars; one submission).

Submission:

GeneDx
Classification: Uncertain significance. Last evaluated: 2020-11-13. Review status: criteria provided, single submitter. Criteria: GeneDx Variant Classification Process June 2021. Collection method: clinical testing. Allele origin: germline. Affected: yes.
Comment: Not observed in large population cohorts (Lek et al., 2016); In silico analysis, which includes protein predictors and evolutionary conservation, supports a deleterious effect; Has not been previously published as pathogenic or benign to our knowledge

NM_005445.4(SMC3):c.1949G>A (p.Cys650Tyr)

Gene: SMC3 (structural maintenance of chromosomes 3; plus strand). Cytogenetic location: 10q25.2.
Variant type: single nucleotide variant.
Coding change: c.1949G>A on transcript NM_005445.4 (MANE Select); coding-DNA position 1949, G replaced by A.
Protein change: p.Cys650Tyr; replaces cysteine 650 with tyrosine.
Molecular consequence: missense variant.
Genome position (GRCh38, 1-based): chr10:110,593,209, G>A. VCF-style: chr10-110593209-G-A. GRCh37 (hg19) VCF-style: chr10-112352967-G-A.
Other names: short protein forms C650Y.
Identifiers: ClinVar variation 1305605 (VCV001305605.2), dbSNP rs2134740250, ClinGen allele CA378390570.